The following is an entry in ClinVar:

NM_001023.4(RPS20):c.195A>G (p.Thr65=)

Gene: RPS20 (ribosomal protein S20; minus strand). Cytogenetic location: 8q12.1.
Variant type: single nucleotide variant.
Coding change: c.195A>G on transcript NM_001023.4 (MANE Select); coding-DNA position 195, A replaced by G.
Protein change: p.Thr65=; no amino-acid change (threonine 65 retained).
Molecular consequence: synonymous variant.
Genome position (GRCh38, 1-based): chr8:56,073,255, T>C on the plus strand (A>G on the coding strand, the complement: RPS20 is on the minus strand). VCF-style: chr8-56073255-T-C. GRCh37 (hg19) VCF-style: chr8-56985814-T-C.
Other names: c.195A>G, p.Thr65= (NM_001146227.3).
Identifiers: ClinVar variation 1164518 (VCV001164518.15), dbSNP rs1050403, ClinGen allele CA4754329.

ClinVar aggregate classification (germline): Benign. Review status: criteria provided, multiple submitters, no conflicts (2 of 4 stars). 6 submissions from 6 submitters: Benign (6). Last evaluated 2026-08-03.

Conditions:
Hereditary cancer-predisposing syndrome. Also called: Hereditary Cancer Syndrome; Hereditary neoplastic syndrome; Neoplastic Syndromes, Hereditary; Tumor predisposition. Identifiers: Orphanet 140162, MedGen C0027672, MeSH D009386, MONDO:0015356.
Familial colorectal cancer type X. Identifiers: Orphanet 440437, MedGen C3896578, MONDO:0018604.

Allele frequency attached by ClinVar (database versions not stated): 1000 Genomes Project 0.08906; ESP Exome Variant Server 0.16202; gnomAD exomes 0.19663 and 0.16427; 1000 Genomes Project 30x 0.08963; TOPMed 0.15454; gnomAD 0.15735 and 0.15315; ExAC 0.16250.
gnomAD v4.1: 309,044 of 1,605,042 alleles (19%); highest among the groups gnomAD compares: Middle Eastern, 26%; 33,264 homozygotes.

Submissions (6):

Myriad Genetics, Inc.
Classification: Benign for Familial colorectal cancer type X. Last evaluated: 2026-08-03. Review status: criteria provided, single submitter. Criteria: Myriad Autosomal Dominant, Autosomal Recessive and X-Linked Classification Criteria (2023). Collection method: clinical testing. Allele origin: unknown.
Comment: This variant is considered benign. This variant is a silent/synonymous amino acid change and it is not expected to impact splicing.

Labcorp Genetics (formerly Invitae), Labcorp
Classification: Benign. Last evaluated: 2026-02-04. Review status: criteria provided, single submitter. Criteria: Invitae Variant Classification Sherloc (09022015). Collection method: clinical testing. Allele origin: germline.

GeneKor MSA
Classification: Benign for Hereditary cancer-predisposing syndrome. Last evaluated: 2025-07-10. Review status: criteria provided, single submitter. Criteria: ACMG Guidelines, 2015. Collection method: clinical testing. Allele origin: germline.

Blueprint Genetics
Classification: Benign. Last evaluated: 2024-11-27. Review status: criteria provided, single submitter. Criteria: ACMG Guidelines, 2015. Collection method: clinical testing. Allele origin: germline.

GeneDx
Classification: Benign. Last evaluated: 2019-06-14. Review status: criteria provided, single submitter. Criteria: GeneDx Variant Classification Process June 2021. Collection method: clinical testing. Allele origin: germline. Affected: yes.

Breakthrough Genomics
Classification: Benign. Review status: criteria provided, single submitter. Criteria: ACMG Guidelines, 2015. Collection method: not provided. Allele origin: germline. Inheritance: Unknown mechanism. Affected: yes.